The following is an entry in ClinVar:

NM_005984.5(SLC25A1):c.203-3C>T

Gene: SLC25A1 (solute carrier family 25 member 1; minus strand). Cytogenetic location: 22q11.21.
Variant type: single nucleotide variant.
Coding change: c.203-3C>T on transcript NM_005984.5 (MANE Select); 3 bases into the intron before coding-DNA position 203, C replaced by T.
Molecular consequence: intron variant.
Genome position (GRCh38, 1-based): chr22:19,178,044, G>A on the plus strand (C>T on the coding strand, the complement: SLC25A1 is on the minus strand). VCF-style: chr22-19178044-G-A. GRCh37 (hg19) VCF-style: chr22-19165557-G-A.
Other names: c.-107-3C>T (NM_001287387.2); c.224-3C>T (NM_001256534.2).
Identifiers: ClinVar variation 2025092 (VCV002025092.4), dbSNP rs2517257177, ClinGen allele CA2577643148.

ClinVar aggregate classification (germline): Uncertain significance (1 of 4 stars; one submission).

Allele frequency attached by ClinVar (database versions not stated): gnomAD exomes 0.00001.

Submission:

Labcorp Genetics (formerly Invitae), Labcorp
Classification: Uncertain significance. Last evaluated: 2022-08-20. Review status: criteria provided, single submitter. Criteria: Invitae Variant Classification Sherloc (09022015). Collection method: clinical testing. Allele origin: germline.
Comment: Variants that disrupt the consensus splice site are a relatively common cause of aberrant splicing (PMID: 17576681, 9536098). Algorithms developed to predict the effect of sequence changes on RNA splicing suggest that this variant is not likely to affect RNA splicing. In summary, the available evidence is currently insufficient to determine the role of this variant in disease. Therefore, it has been classified as a Variant of Uncertain Significance. This variant has not been reported in the literature in individuals affected with SLC25A1-related conditions. This variant is not present in population databases (gnomAD no frequency). This sequence change falls in intron 2 of the SLC25A1 gene. It does not directly change the encoded amino acid sequence of the SLC25A1 protein. It affects a nucleotide within the consensus splice site.

Literature cited by the submitters: PubMed 17576681; PubMed 9536098.